The following is an entry in ClinVar:

NM_005458.8(GABBR2):c.999+3C>T

Gene: GABBR2 (gamma-aminobutyric acid type B receptor subunit 2; minus strand). Cytogenetic location: 9q22.33.
Variant type: single nucleotide variant.
Coding change: c.999+3C>T on transcript NM_005458.8 (MANE Select); 3 bases into the intron after coding-DNA position 999, C replaced by T.
Molecular consequence: intron variant.
Genome position (GRCh38, 1-based): chr9:98,473,143, G>A on the plus strand (C>T on the coding strand, the complement: GABBR2 is on the minus strand). VCF-style: chr9-98473143-G-A. GRCh37 (hg19) VCF-style: chr9-101235425-G-A.
Identifiers: ClinVar variation 2006059 (VCV002006059.4), dbSNP rs2491669930, ClinGen allele CA2580080797.

ClinVar aggregate classification (germline): Uncertain significance (1 of 4 stars; one submission).

Conditions:
Epileptic encephalopathy. Identifiers: MedGen C0543888, HP:0200134.

Submission:

Labcorp Genetics (formerly Invitae), Labcorp
Classification: Uncertain significance for Epileptic encephalopathy. Last evaluated: 2022-06-14. Review status: criteria provided, single submitter. Criteria: Invitae Variant Classification Sherloc (09022015). Collection method: clinical testing. Allele origin: germline.
Comment: This variant is not present in population databases (gnomAD no frequency). In summary, the available evidence is currently insufficient to determine the role of this variant in disease. Therefore, it has been classified as a Variant of Uncertain Significance. Variants that disrupt the consensus splice site are a relatively common cause of aberrant splicing (PMID: 17576681, 9536098). Algorithms developed to predict the effect of sequence changes on RNA splicing suggest that this variant is not likely to affect RNA splicing. This variant has not been reported in the literature in individuals affected with GABBR2-related conditions. This sequence change falls in intron 6 of the GABBR2 gene. It does not directly change the encoded amino acid sequence of the GABBR2 protein. It affects a nucleotide within the consensus splice site.

Literature cited by the submitters: PubMed 17576681; PubMed 9536098.